The following is an entry in ClinVar:

NM_002340.6(LSS):c.1657G>A (p.Ala553Thr)

Gene: LSS (lanosterol synthase; minus strand). Cytogenetic location: 21q22.3.
Variant type: single nucleotide variant.
Coding change: c.1657G>A on transcript NM_002340.6 (MANE Select); coding-DNA position 1657, G replaced by A.
Protein change: p.Ala553Thr; replaces alanine 553 with threonine.
Molecular consequence: missense variant.
Genome position (GRCh38, 1-based): chr21:46,205,849, C>T on the plus strand (G>A on the coding strand, the complement: LSS is on the minus strand). VCF-style: chr21-46205849-C-T. GRCh37 (hg19) VCF-style: chr21-47625763-C-T.
Other names: c.1657G>A, p.Ala553Thr (NM_001001438.3); c.1624G>A, p.Ala542Thr (NM_001145436.2); c.1417G>A, p.Ala473Thr (NM_001145437.2); short protein forms A473T, A553T, A542T.
Identifiers: ClinVar variation 4709337 (VCV004709337.1).

ClinVar aggregate classification (germline): Uncertain significance (1 of 4 stars; one submission).

gnomAD v4.1: 5 of 1,606,490 alleles (0.00031%); highest among the groups gnomAD compares: Middle Eastern, 0.017%; no homozygotes.

Submission:

Labcorp Genetics (formerly Invitae), Labcorp
Classification: Uncertain significance. Last evaluated: 2026-01-26. Review status: criteria provided, single submitter. Criteria: Invitae Variant Classification Sherloc (09022015). Collection method: clinical testing. Allele origin: germline.
Comment: This sequence change replaces alanine, which is neutral and non-polar, with threonine, which is neutral and polar, at codon 553 of the LSS protein (p.Ala553Thr). The frequency data for this variant in the population databases is considered unreliable, as metrics indicate poor data quality at this position in the gnomAD database. This variant has not been reported in the literature in individuals affected with LSS-related conditions. An algorithm developed to predict the effect of missense changes on protein structure and function (PolyPhen-2) suggests that this variant is likely to be tolerated. In summary, the available evidence is currently insufficient to determine the role of this variant in disease. Therefore, it has been classified as a Variant of Uncertain Significance.